The following is an entry in ClinVar:

NM_152383.5(DIS3L2):c.829A>G (p.Arg277Gly)

Gene: DIS3L2 (DIS3 like 3'-5' exoribonuclease 2; plus strand). Cytogenetic location: 2q37.1.
Variant type: single nucleotide variant.
Coding change: c.829A>G on transcript NM_152383.5 (MANE Select); coding-DNA position 829, A replaced by G.
Protein change: p.Arg277Gly; replaces arginine 277 with glycine.
Molecular consequence: missense variant. On other transcripts: non-coding transcript variant (1).
Genome position (GRCh38, 1-based): chr2:232,136,598, A>G. VCF-style: chr2-232136598-A-G. GRCh37 (hg19) VCF-style: chr2-233001308-A-G.
Other names: c.829A>G, p.Arg277Gly (NM_001257281.2); short protein forms R277G.
Identifiers: ClinVar variation 856947 (VCV000856947.9), dbSNP rs1252903119, ClinGen allele CA351153678.
Genomic context (GRCh38, chr2:232,136,598, plus strand): 5'-AAGAACAGCGAACTGTTTAGGAAATACGCCCTGTTTTCTCCCTCAGACCACCGAGTGCCT[A>G]GAATTTATGTGCCTCTCAAGGACTGTCCCCAGGACTTTGTGGCACGGCCTAAAGATTATG-3'
Protein context (NP_689596.4, residues 267-287): LFSPSDHRVP[Arg277Gly]IYVPLKDCPQ

ClinVar aggregate classification (germline): Uncertain significance (1 of 4 stars; one submission).

Conditions:
Perlman syndrome (PRLMNS). Identifiers: Orphanet 2849, MedGen C0796113, MONDO:0009965, OMIM 267000.

Allele frequency attached by ClinVar (database versions not stated): gnomAD below 0.00001 and 0.00001; TOPMed below 0.00001.
gnomAD v4.1: 6 of 1,613,864 alleles (0.00037%); highest among the groups gnomAD compares: South Asian, 0.0011%; no homozygotes.

Submission:

Labcorp Genetics (formerly Invitae), Labcorp
Classification: Uncertain significance for Perlman syndrome. Last evaluated: 2023-06-09. Review status: criteria provided, single submitter. Criteria: Invitae Variant Classification Sherloc (09022015). Collection method: clinical testing. Allele origin: germline.
Comment: In summary, the available evidence is currently insufficient to determine the role of this variant in disease. Therefore, it has been classified as a Variant of Uncertain Significance. Advanced modeling of protein sequence and biophysical properties (such as structural, functional, and spatial information, amino acid conservation, physicochemical variation, residue mobility, and thermodynamic stability) performed at Invitae indicates that this missense variant is expected to disrupt DIS3L2 protein function. ClinVar contains an entry for this variant (Variation ID: 856947). This variant has not been reported in the literature in individuals affected with DIS3L2-related conditions. This variant is not present in population databases (gnomAD no frequency). This sequence change replaces arginine, which is basic and polar, with glycine, which is neutral and non-polar, at codon 277 of the DIS3L2 protein (p.Arg277Gly).